The following is an entry in ClinVar:

NM_022835.3(PLEKHG2):c.2998C>A (p.Pro1000Thr)

Gene: PLEKHG2 (pleckstrin homology and RhoGEF domain containing G2; plus strand). Cytogenetic location: 19q13.2.
Variant type: single nucleotide variant.
Coding change: c.2998C>A on transcript NM_022835.3 (MANE Select); coding-DNA position 2998, C replaced by A.
Protein change: p.Pro1000Thr; replaces proline 1000 with threonine.
Molecular consequence: missense variant. On other transcripts: intron variant (1).
Genome position (GRCh38, 1-based): chr19:39,424,131, C>A. VCF-style: chr19-39424131-C-A. GRCh37 (hg19) VCF-style: chr19-39914771-C-A.
Other names: c.2821C>A, p.Pro941Thr (NM_001351693.2); c.1678-1107C>A (NM_001351694.2); short protein forms P1000T, P941T.
Identifiers: ClinVar variation 1034020 (VCV001034020.1), dbSNP rs758892992, ClinGen allele CA405802850.

ClinVar aggregate classification (germline): Uncertain significance (1 of 4 stars; one submission).

Conditions:
Leukodystrophy and acquired microcephaly with or without dystonia;. Also called: Leukodystrophy and acquired microcephaly with or without dystonia. Identifiers: MedGen C4225213, MONDO:0014766, OMIM 616763.

Allele frequency attached by ClinVar (database versions not stated): gnomAD 0.00001; gnomAD exomes 0.00001; TOPMed 0.00001.
gnomAD v4.1: 15 of 1,614,008 alleles (0.00093%); highest among the groups gnomAD compares: Non-Finnish European, 0.0013%; no homozygotes.

Submission:

Baylor Genetics
Classification: Uncertain significance for Leukodystrophy and acquired microcephaly with or without dystonia;. Last evaluated: 2018-11-09. Review status: criteria provided, single submitter. Criteria: ACMG Guidelines, 2015. Collection method: clinical testing. Allele origin: maternal. Affected: yes.
Comment: This variant was determined to be of uncertain significance according to ACMG Guidelines, 2015 [PMID:25741868].